The following is an entry in ClinVar:

NM_001168478.2(ARMCX5):c.1134C>G (p.Asp378Glu)

Genes: ARMCX5 (armadillo repeat containing X-linked 5; plus strand), ARMCX5-GPRASP2 (ARMCX5-GPRASP2 readthrough; plus strand). Cytogenetic location: Xq22.1.
Variant type: single nucleotide variant.
Coding change: c.1134C>G on transcript NM_001168478.2 (MANE Select); coding-DNA position 1134, C replaced by G.
Protein change: p.Asp378Glu; replaces aspartic acid 378 with glutamic acid.
Molecular consequence: missense variant. On other transcripts: intron variant (2).
Genome position (GRCh38, 1-based): chrX:102,603,275, C>G. VCF-style: chrX-102603275-C-G. GRCh37 (hg19) VCF-style: chrX-101858203-C-G.
Other names: c.1134C>G, p.Asp378Glu (NM_001168479.2, NM_001168480.2, NM_001168482.2 and 2 more transcripts); c.-652+1766C>G (NM_001199818.1); c.-1137-2207C>G (NM_001350268.2); short protein forms D378E.
Identifiers: ClinVar variation 2237706 (VCV002237706.5), dbSNP rs200145435, ClinGen allele CA10475902.

ClinVar aggregate classification (germline): Uncertain significance. Review status: criteria provided, single submitter (1 of 4 stars). 2 submissions from 2 submitters: Uncertain significance (1). 1 of the submissions does not count toward it. Last evaluated 2024-11-26.

Conditions:
ARMCX5-related disorder. Also called: ARMCX5-related condition.

Allele frequency attached by ClinVar (database versions not stated): ExAC 0.00008; gnomAD 0.00011; TOPMed 0.00014.
gnomAD v4.1: 119 of 1,209,380 alleles (0.0098%); highest among the groups gnomAD compares: Non-Finnish European, 0.013%; no homozygotes.

Submissions (2):

Ambry Genetics
Classification: Uncertain significance. Last evaluated: 2024-11-26. Review status: criteria provided, single submitter. Criteria: Ambry Variant Classification Scheme 2023. Collection method: clinical testing. Allele origin: germline.

PreventionGenetics, part of Exact Sciences
Classification: Likely benign for ARMCX5-related condition. Last evaluated: 2023-05-20. Review status: no assertion criteria provided. Collection method: clinical testing. Allele origin: germline. Not counted in ClinVar's aggregate classification.
Comment: This variant is classified as likely benign based on ACMG/AMP sequence variant interpretation guidelines (Richards et al. 2015 PMID: 25741868, with internal and published modifications).